The following is an entry in ClinVar:

ClinVar aggregate classification (germline): Uncertain significance (1 of 4 stars; one submission).

Conditions:
Ataxia-telangiectasia syndrome (AT). Also called: Ataxia telangiectasia (A-T); Cerebello-oculocutaneous telangiectasia; Immunodeficiency with ataxia telangiectasia; AT, COMPLEMENTATION GROUP C; ATAXIA-TELANGIECTASIA, COMPLEMENTATION GROUP A; ATAXIA-TELANGIECTASIA, FRESNO VARIANT. Identifiers: Orphanet 100, MedGen C0004135, MONDO:0008840, OMIM 208900.

Allele frequency attached by ClinVar (database versions not stated): gnomAD exomes below 0.00001.
gnomAD v4.1: 2 of 1,613,752 alleles (0.00012%); highest among the groups gnomAD compares: Non-Finnish European, 0.00017%; no homozygotes.

Submission:

Labcorp Genetics (formerly Invitae), Labcorp
Classification: Uncertain significance for Ataxia-telangiectasia syndrome. Last evaluated: 2019-12-19. Review status: criteria provided, single submitter. Criteria: Invitae Variant Classification Sherloc (09022015). Collection method: clinical testing. Allele origin: germline.
Comment: In summary, the available evidence is currently insufficient to determine the role of this variant in disease. Therefore, it has been classified as a Variant of Uncertain Significance. Algorithms developed to predict the effect of missense changes on protein structure and function (SIFT, PolyPhen-2, Align-GVGD) all suggest that this variant is likely to be tolerated, but these predictions have not been confirmed by published functional studies and their clinical significance is uncertain. This variant has not been reported in the literature in individuals with ATM-related conditions. This variant is not present in population databases (ExAC no frequency). This sequence change replaces glutamic acid with glycine at codon 1664 of the ATM protein (p.Glu1664Gly). The glutamic acid residue is moderately conserved and there is a moderate physicochemical difference between glutamic acid and glycine.

NM_000051.4(ATM):c.4991A>G (p.Glu1664Gly)

Gene: ATM (ATM serine/threonine kinase; plus strand). Cytogenetic location: 11q22.3.
Variant type: single nucleotide variant.
Coding change: c.4991A>G on transcript NM_000051.4 (MANE Select); coding-DNA position 4991, A replaced by G.
Protein change: p.Glu1664Gly; replaces glutamic acid 1664 with glycine.
Molecular consequence: missense variant.
Genome position (GRCh38, 1-based): chr11:108,297,368, A>G. VCF-style: chr11-108297368-A-G. GRCh37 (hg19) VCF-style: chr11-108168095-A-G.
Other names: c.4991A>G, p.Glu1664Gly (NM_001351834.2); short protein forms E1664G.
Identifiers: ClinVar variation 855633 (VCV000855633.10), dbSNP rs2083181675, ClinGen allele CA382538525.